The following is an entry in ClinVar:

ClinVar aggregate classification (germline): Benign. Review status: criteria provided, multiple submitters, no conflicts (2 of 4 stars). 2 submissions from 2 submitters: Benign (2). Last evaluated 2018-01-13.

Conditions:
Charcot-Marie-Tooth disease type 4H (CMT4H). Also called: CHARCOT-MARIE-TOOTH DISEASE, AUTOSOMAL RECESSIVE, TYPE 4H; CHARCOT-MARIE-TOOTH DISEASE, DEMYELINATING, AUTOSOMAL RECESSIVE, TYPE 4H; CHARCOT-MARIE-TOOTH NEUROPATHY, TYPE 4H; CHARCOT-MARIE-TOOTH DISEASE, DEMYELINATING, TYPE 4H. Identifiers: Orphanet 99954, MedGen C1836336, MONDO:0012250, OMIM 609311.

Allele frequency attached by ClinVar (database versions not stated): gnomAD 0.34951 and 0.34952; TOPMed 0.35632; 1000 Genomes Project 0.36162; 1000 Genomes Project 30x 0.36602.

Submissions (2):

Illumina Laboratory Services, Illumina
Classification: Benign for Charcot-Marie-Tooth disease type 4H. Last evaluated: 2018-01-13. Review status: criteria provided, single submitter. Criteria: ICSL Variant Classification Criteria 13 December 2019. Collection method: clinical testing. Allele origin: germline.
Comment: This variant was observed in the ICSL laboratory as part of a predisposition screen in an ostensibly healthy population. It had not been previously curated by ICSL or reported in the Human Gene Mutation Database (HGMD: prior to June 1st, 2018), and was therefore a candidate for classification through an automated scoring system. Utilizing variant allele frequency, disease prevalence and penetrance estimates, and inheritance mode, an automated score was calculated to assess if this variant is too frequent to cause the disease. Based on the score and internal cut-off values, a variant classified as benign is not then subjected to further curation. The score for this variant resulted in a classification of benign for this disease.

Breakthrough Genomics
Classification: Benign. Review status: criteria provided, single submitter. Criteria: ACMG Guidelines, 2015. Collection method: not provided. Allele origin: germline. Inheritance: Autosomal recessive inheritance. Affected: yes.

NM_001370298.3(FGD4):c.*1133A>C

Gene: FGD4 (FYVE, RhoGEF and PH domain containing 4; plus strand). Cytogenetic location: 12p11.21.
Variant type: single nucleotide variant.
Coding change: c.*1133A>C on transcript NM_001370298.3 (MANE Select); 1133 bases downstream of the stop codon, A replaced by C.
Molecular consequence: 3 prime UTR variant. On other transcripts: intron variant (3).
Genome position (GRCh38, 1-based): chr12:32,641,666, A>C. VCF-style: chr12-32641666-A-C. GRCh37 (hg19) VCF-style: chr12-32794600-A-C.
Other names: c.*1133A>C (NM_001304481.2, NM_001304484.2, NM_001330373.2 and 5 more transcripts); c.2632+1213A>C (NM_001384126.1); c.2221+1213A>C (NM_001384127.1, NM_001384128.1).
Identifiers: ClinVar variation 308312 (VCV000308312.6), dbSNP rs10844268, ClinGen allele CA10632575.